The following is an entry in ClinVar:

NM_012281.3(KCND2):c.1449C>A (p.His483Gln)

Gene: KCND2 (potassium voltage-gated channel subfamily D member 2; plus strand). Cytogenetic location: 7q31.31.
Variant type: single nucleotide variant.
Coding change: c.1449C>A on transcript NM_012281.3 (MANE Select); coding-DNA position 1449, C replaced by A.
Protein change: p.His483Gln; replaces histidine 483 with glutamine.
Molecular consequence: missense variant.
Genome position (GRCh38, 1-based): chr7:120,742,584, C>A. VCF-style: chr7-120742584-C-A. GRCh37 (hg19) VCF-style: chr7-120382638-C-A.
Other names: short protein forms H483Q.
Identifiers: ClinVar variation 1449009 (VCV001449009.6), dbSNP rs2116179416, ClinGen allele CA369134735.

ClinVar aggregate classification (germline): Uncertain significance (1 of 4 stars; one submission).

Conditions:
Early Myoclonic Encephalopathy. Identifiers: MedGen C0270855.

Allele frequency attached by ClinVar (database versions not stated): gnomAD exomes below 0.00001.
gnomAD v4.1: 4 of 1,613,470 alleles (0.00025%); highest among the groups gnomAD compares: Admixed American, 0.0017%; no homozygotes.

Submission:

Labcorp Genetics (formerly Invitae), Labcorp
Classification: Uncertain significance for Early Myoclonic Encephalopathy. Last evaluated: 2022-08-23. Review status: criteria provided, single submitter. Criteria: Invitae Variant Classification Sherloc (09022015). Collection method: clinical testing. Allele origin: germline.
Comment: In summary, the available evidence is currently insufficient to determine the role of this variant in disease. Therefore, it has been classified as a Variant of Uncertain Significance. Advanced modeling of protein sequence and biophysical properties (such as structural, functional, and spatial information, amino acid conservation, physicochemical variation, residue mobility, and thermodynamic stability) performed at Invitae indicates that this missense variant is not expected to disrupt KCND2 protein function. ClinVar contains an entry for this variant (Variation ID: 1449009). This variant has not been reported in the literature in individuals affected with KCND2-related conditions. This variant is not present in population databases (gnomAD no frequency). This sequence change replaces histidine, which is basic and polar, with glutamine, which is neutral and polar, at codon 483 of the KCND2 protein (p.His483Gln).